The following is an entry in ClinVar:

ClinVar aggregate classification (germline): Uncertain significance. Review status: criteria provided, multiple submitters, no conflicts (2 of 4 stars). 2 submissions from 2 submitters: Uncertain significance (2). Last evaluated 2024-05-01.

Conditions:
Hereditary cancer-predisposing syndrome. Also called: Tumor predisposition; Neoplastic Syndromes, Hereditary; Hereditary Cancer Syndrome; Hereditary neoplastic syndrome. Identifiers: Orphanet 140162, MedGen C0027672, MeSH D009386, MONDO:0015356.
Ataxia-telangiectasia syndrome (AT). Also called: ATAXIA-TELANGIECTASIA, COMPLEMENTATION GROUP A; ATAXIA-TELANGIECTASIA, FRESNO VARIANT; Ataxia-telangiectasia; Ataxia-telangiectasia, complementation group D; AT, COMPLEMENTATION GROUP C; Ataxia-telangiectasia, complementation group E. Identifiers: Orphanet 100, MedGen C0004135, MONDO:0008840, OMIM 208900.

Allele frequency attached by ClinVar (database versions not stated): gnomAD exomes below 0.00001.
gnomAD v4.1: 1 of 1,613,956 alleles (0.000062%); highest among the groups gnomAD compares: Non-Finnish European, 0.000085%; no homozygotes.

Submissions (2):

Ambry Genetics
Classification: Uncertain significance for Hereditary cancer-predisposing syndrome. Last evaluated: 2024-05-01. Review status: criteria provided, single submitter. Criteria: Ambry Variant Classification Scheme 2023. Collection method: clinical testing. Allele origin: germline.
Comment: The p.P2353T variant (also known as c.7057C>A), located in coding exon 47 of the ATM gene, results from a C to A substitution at nucleotide position 7057. The proline at codon 2353 is replaced by threonine, an amino acid with highly similar properties. This amino acid position is highly conserved in available vertebrate species. In addition, this alteration is predicted to be deleterious by in silico analysis. Since supporting evidence is limited at this time, the clinical significance of this alteration remains unclear.

Labcorp Genetics (formerly Invitae), Labcorp
Classification: Uncertain significance for Ataxia-telangiectasia syndrome. Last evaluated: 2020-12-25. Review status: criteria provided, single submitter. Criteria: Invitae Variant Classification Sherloc (09022015). Collection method: clinical testing. Allele origin: germline.
Comment: In summary, the available evidence is currently insufficient to determine the role of this variant in disease. Therefore, it has been classified as a Variant of Uncertain Significance. Algorithms developed to predict the effect of missense changes on protein structure and function (SIFT, PolyPhen-2, Align-GVGD) all suggest that this variant is likely to be disruptive, but these predictions have not been confirmed by published functional studies and their clinical significance is uncertain. This variant has not been reported in the literature in individuals with ATM-related conditions. ClinVar contains an entry for this variant (Variation ID: 826801). This variant is not present in population databases (ExAC no frequency). This sequence change replaces proline with threonine at codon 2353 of the ATM protein (p.Pro2353Thr). The proline residue is highly conserved and there is a small physicochemical difference between proline and threonine.

NM_000051.4(ATM):c.7057C>A (p.Pro2353Thr)

Genes: ATM (ATM serine/threonine kinase; plus strand), C11orf65 (chromosome 11 open reading frame 65; minus strand). Cytogenetic location: 11q22.3.
Variant type: single nucleotide variant.
Coding change: c.7057C>A on transcript NM_000051.4 (MANE Select); coding-DNA position 7057, C replaced by A.
Protein change: p.Pro2353Thr; replaces proline 2353 with threonine.
Molecular consequence: missense variant. On other transcripts: intron variant (2).
Genome position (GRCh38, 1-based): chr11:108,327,726, C>A. VCF-style: chr11-108327726-C-A. GRCh37 (hg19) VCF-style: chr11-108198453-C-A.
Other names: c.7057C>A, p.Pro2353Thr (NM_001351834.2); c.641-18655G>T (NM_001330368.2); c.*38+7494G>T (NM_001351110.2); short protein forms P2353T.
Identifiers: ClinVar variation 826801 (VCV000826801.13), dbSNP rs1591142717, ClinGen allele CA382559002.
Genomic context (GRCh38, chr11:108,327,726, plus strand): 5'-ACATACACAGAATGTCTGAGGGTTTGTGGCAACTGGTTAGCAGAAACGTGCTTAGAAAAT[C>A]CTGCGGTCATCATGCAGACCTATCTAGAAAAGGTAAGATTTTTGGAGCAACCCTTAAGAT-3'
Protein context (NP_000042.3, residues 2343-2363): NWLAETCLEN[Pro2353Thr]AVIMQTYLEK